The following is an entry in ClinVar:

NM_182493.3(MYLK3):c.1915-1G>T

Gene: MYLK3 (myosin light chain kinase 3; minus strand). Cytogenetic location: 16q11.2.
Variant type: single nucleotide variant.
Coding change: c.1915-1G>T on transcript NM_182493.3 (MANE Select); the canonical splice acceptor site of the intron before coding-DNA position 1915, G replaced by T.
Molecular consequence: splice acceptor variant.
Genome position (GRCh38, 1-based): chr16:46,721,194, C>A on the plus strand (G>T on the coding strand, the complement: MYLK3 is on the minus strand). VCF-style: chr16-46721194-C-A. GRCh37 (hg19) VCF-style: chr16-46755106-C-A.
Other names: c.892-1G>T (NM_001308301.1).
Identifiers: ClinVar variation 2419098 (VCV002419098.7), dbSNP rs765089938, ClinGen allele CA8037798.

ClinVar aggregate classification (germline): Likely pathogenic (1 of 4 stars; one submission).

Allele frequency attached by ClinVar (database versions not stated): ExAC 0.00001; gnomAD exomes 0.00002.
gnomAD v4.1: 10 of 1,614,176 alleles (0.00062%); highest among the groups gnomAD compares: East Asian, 0.022%; no homozygotes.

Submission:

Labcorp Genetics (formerly Invitae), Labcorp
Classification: Likely pathogenic. Last evaluated: 2025-08-21. Review status: criteria provided, single submitter. Criteria: Invitae Variant Classification Sherloc (09022015). Collection method: clinical testing. Allele origin: germline.
Comment: This sequence change affects an acceptor splice site in intron 8 of the MYLK3 gene. RNA analysis indicates that disruption of this splice site induces altered splicing and may result in an absent or disrupted protein product. However, the current clinical and genetic evidence is not sufficient to establish whether loss-of-function variants in MYLK3 cause disease. This variant is present in population databases (rs765089938, gnomAD 0.006%). Disruption of this splice site has been observed in individuals with dilated cardiomyopathy (PMID: 30690923; internal data). ClinVar contains an entry for this variant (Variation ID: 2419098). Algorithms developed to predict the effect of variants on gene product structure and function are not available or were not evaluated for this variant. Experimental studies have shown that disruption of this splice site affects MYLK3 function (PMID: 37128901). Studies have shown that disruption of this splice site results in skipping of exon 9 and introduces a premature termination codon (PMID: 30690923). The resulting mRNA is expected to undergo nonsense-mediated decay. In summary, the currently available evidence indicates that the variant is pathogenic, but additional data are needed to prove that conclusively. Therefore, this variant has been classified as Likely Pathogenic.

Literature cited by the submitters: PubMed 30690923; PubMed 37128901.